The following is an entry in ClinVar:

ClinVar aggregate classification (germline): Uncertain significance. Review status: criteria provided, multiple submitters, no conflicts (2 of 4 stars). 2 submissions from 2 submitters: Uncertain significance (2). Last evaluated 2026-06-02.

Conditions:
GLI3-related disorder. Also called: GLI3-related disorders; GLI3-related condition. Identifiers: MedGen CN239292.
Pallister-Hall syndrome (PHS). Also called: GLI3-Related Pallister-Hall Syndrome; HYPOTHALAMIC HAMARTOBLASTOMA, HYPOPITUITARISM, IMPERFORATE ANUS, AND POSTAXIAL POLYDACTYLY. Identifiers: Orphanet 672, MedGen C0265220, MONDO:0007804, OMIM 146510.

Submissions (2):

PreventionGenetics, part of Exact Sciences
Classification: Uncertain significance for GLI3-related condition. Last evaluated: 2026-06-02. Review status: criteria provided, single submitter. Criteria: ACMG Guidelines, 2015. Collection method: clinical testing. Allele origin: germline.
Comment: The GLI3 c.1642T>C variant is predicted to result in the amino acid substitution p.Cys548Arg. To our knowledge, this variant has not been reported in the literature or in a large population database (gnomAD), indicating this variant is rare. At this time, the clinical significance of this variant is uncertain due to the absence of conclusive functional and genetic evidence.

Pittsburgh Clinical Genomics Laboratory, University of Pittsburgh Medical Center
Classification: Uncertain significance for Pallister-Hall syndrome. Last evaluated: 2022-08-10. Review status: criteria provided, single submitter. Criteria: ACMG Guidelines, 2015. Collection method: clinical testing. Allele origin: germline. Inheritance: Autosomal dominant inheritance. Affected: yes.
Comment: This sequence variant is a single nucleotide substitution (T>C) at coding nucleotide 1642 in the GLI3 gene which results in a cysteine to arginine amino acid change at residue 548 in the GLI3 protein. This is a novel variant which has not been reported in clinical genetics databases or observed in the medical literature in individuals with GLI3-related disease, to our knowledge. This variant is absent from the gnomAD control population dataset (0/~251400 alleles). Multiple bioinformatic tools predict that this variant is likely to be damaging, and cysteine is highly conserved at this protein position in vertebrates. This variant alters a residue in the third of five zinc finger repeats (Uniprot). Functiol studies testing the effects of this variant have not been performed, to our knowledge. At this time, there is insufficient evidence to determine if this variant is pathogenic or benign. Therefore, we consider it to be a variant of uncertain significance. ACMG Criteria: PM2, PP3

NM_000168.6(GLI3):c.1642T>C (p.Cys548Arg)

Gene: GLI3 (GLI family zinc finger 3; minus strand). Cytogenetic location: 7p14.1.
Variant type: single nucleotide variant.
Coding change: c.1642T>C on transcript NM_000168.6 (MANE Select); coding-DNA position 1642, T replaced by C.
Protein change: p.Cys548Arg; replaces cysteine 548 with arginine.
Molecular consequence: missense variant.
Genome position (GRCh38, 1-based): chr7:41,978,604, A>G on the plus strand (T>C on the coding strand, the complement: GLI3 is on the minus strand). VCF-style: chr7-41978604-A-G. GRCh37 (hg19) VCF-style: chr7-42018203-A-G.
Other names: c.1642T>C (NM_000168.5); short protein forms C548R.
Identifiers: ClinVar variation 3376217 (VCV003376217.2).